The following is an entry in ClinVar:

NM_001035.3(RYR2):c.3599-3C>A

Gene: RYR2 (ryanodine receptor 2; plus strand). Cytogenetic location: 1q43.
Variant type: single nucleotide variant.
Coding change: c.3599-3C>A on transcript NM_001035.3 (MANE Select); 3 bases into the intron before coding-DNA position 3599, C replaced by A.
Molecular consequence: intron variant.
Genome position (GRCh38, 1-based): chr1:237,589,790, C>A. VCF-style: chr1-237589790-C-A. GRCh37 (hg19) VCF-style: chr1-237753090-C-A.
Other names: c.3599-3C>A (NM_001035.2).
Identifiers: ClinVar variation 2920004 (VCV002920004.4), dbSNP rs776703089, ClinGen allele CA086424.

ClinVar aggregate classification (germline): Uncertain significance. Review status: criteria provided, multiple submitters, no conflicts (2 of 4 stars). 2 submissions from 2 submitters: Uncertain significance (2). Last evaluated 2024-01-09.

Conditions:
Cardiovascular phenotype. Identifiers: MedGen CN230736.
Catecholaminergic polymorphic ventricular tachycardia 1. Also called: VENTRICULAR TACHYCARDIA, CATECHOLAMINERGIC POLYMORPHIC, 1, WITH OR WITHOUT ATRIAL DYSFUNCTION AND/OR DILATED CARDIOMYOPATHY; RYR2-Related Catecholaminergic Polymorphic Ventricular Tachycardia; VENTRICULAR TACHYCARDIA, STRESS-INDUCED POLYMORPHIC 1. Identifiers: Orphanet 3286, MedGen C1631597, MONDO:0011484, OMIM 604772.

Allele frequency attached by ClinVar (database versions not stated): ExAC 0.00002; gnomAD 0.00002.
gnomAD v4.1: 5 of 1,610,430 alleles (0.00031%); highest among the groups gnomAD compares: Non-Finnish European, 0.00042%; no homozygotes.

Submissions (2):

Ambry Genetics
Classification: Uncertain significance for Cardiovascular phenotype. Last evaluated: 2024-01-09. Review status: criteria provided, single submitter. Criteria: Ambry Variant Classification Scheme 2023. Collection method: clinical testing. Allele origin: germline.
Comment: The c.3599-3C>A intronic variant results from a C to A substitution 3 nucleotides upstream from coding exon 30 in the RYR2 gene. This nucleotide position is well conserved in available vertebrate species. In silico splice site analysis predicts that this alteration will not have any significant effect on splicing. Since supporting evidence is limited at this time, the clinical significance of this alteration remains unclear.

Labcorp Genetics (formerly Invitae), Labcorp
Classification: Uncertain significance for Catecholaminergic polymorphic ventricular tachycardia 1. Last evaluated: 2023-10-04. Review status: criteria provided, single submitter. Criteria: Invitae Variant Classification Sherloc (09022015). Collection method: clinical testing. Allele origin: germline.
Comment: This sequence change falls in intron 29 of the RYR2 gene. It does not directly change the encoded amino acid sequence of the RYR2 protein. It affects a nucleotide within the consensus splice site. The frequency data for this variant in the population databases is considered unreliable, as metrics indicate poor data quality at this position in the gnomAD database. This variant has not been reported in the literature in individuals affected with RYR2-related conditions. Variants that disrupt the consensus splice site are a relatively common cause of aberrant splicing (PMID: 17576681, 9536098). Algorithms developed to predict the effect of sequence changes on RNA splicing suggest that this variant is not likely to affect RNA splicing. In summary, the available evidence is currently insufficient to determine the role of this variant in disease. Therefore, it has been classified as a Variant of Uncertain Significance.

Literature cited by the submitters: PubMed 17576681 (cited by Labcorp Genetics (formerly Invitae), Labcorp); PubMed 9536098 (cited by Labcorp Genetics (formerly Invitae), Labcorp).